The following is an entry in ClinVar:

NM_032043.3(BRIP1):c.2598G>A (p.Gln866=)

Gene: BRIP1 (BRCA1 interacting DNA helicase 1; minus strand). Cytogenetic location: 17q23.2.
Variant type: single nucleotide variant.
Coding change: c.2598G>A on transcript NM_032043.3 (MANE Select); coding-DNA position 2598, G replaced by A.
Protein change: p.Gln866=; no amino-acid change (glutamine 866 retained).
Molecular consequence: synonymous variant.
Genome position (GRCh38, 1-based): chr17:61,686,143, C>T on the plus strand (G>A on the coding strand, the complement: BRIP1 is on the minus strand). VCF-style: chr17-61686143-C-T. GRCh37 (hg19) VCF-style: chr17-59763504-C-T.
Identifiers: ClinVar variation 821544 (VCV000821544.19), dbSNP rs769021796, ClinGen allele CA8690472.

ClinVar aggregate classification (germline): Benign/Likely benign. Review status: criteria provided, multiple submitters, no conflicts (2 of 4 stars). 5 submissions from 5 submitters: Benign (1); Likely benign (4). Last evaluated 2025-09-23.

Conditions:
Familial cancer of breast. Also called: Hereditary breast cancer; hereditary breast carcinoma; BREAST CANCER, FAMILIAL. Identifiers: Orphanet 227535, MedGen C0346153, MONDO:0016419, OMIM 114480. Disease mechanism: loss of function.
Fanconi anemia complementation group J. Also called: BRIP1-Related Fanconi Anemia. Identifiers: Orphanet 84, MedGen C1836860, MONDO:0012187, OMIM 609054.
Hereditary cancer-predisposing syndrome. Also called: Hereditary Cancer Syndrome; Neoplastic Syndromes, Hereditary; Hereditary neoplastic syndrome; Tumor predisposition. Identifiers: Orphanet 140162, MedGen C0027672, MeSH D009386, MONDO:0015356.

Allele frequency attached by ClinVar (database versions not stated): gnomAD exomes 0.00001; TOPMed 0.00001; ExAC 0.00002.
gnomAD v4.1: 4 of 1,614,084 alleles (0.00025%); highest among the groups gnomAD compares: South Asian, 0.0044%; no homozygotes.

Submissions (5):

Labcorp Genetics (formerly Invitae), Labcorp
Classification: Likely benign for Familial cancer of breast; Fanconi anemia complementation group J. Last evaluated: 2025-09-23. Review status: criteria provided, single submitter. Criteria: Invitae Variant Classification Sherloc (09022015). Collection method: clinical testing. Allele origin: germline.

Myriad Genetics, Inc.
Classification: Benign for Familial cancer of breast. Last evaluated: 2024-09-05. Review status: criteria provided, single submitter. Criteria: Myriad Autosomal Dominant, Autosomal Recessive and X-Linked Classification Criteria (2023). Collection method: clinical testing. Allele origin: unknown.
Comment: This variant is considered benign. This variant is a silent/synonymous amino acid change and it is not expected to impact splicing.

Color Diagnostics, LLC DBA Color Health
Classification: Likely benign for Hereditary cancer-predisposing syndrome. Last evaluated: 2019-11-20. Review status: criteria provided, single submitter. Criteria: ACMG Guidelines, 2015. Collection method: clinical testing. Allele origin: germline.

GeneDx
Classification: Likely benign. Last evaluated: 2019-07-24. Review status: criteria provided, single submitter. Criteria: GeneDx Variant Classification Process June 2021. Collection method: clinical testing. Allele origin: germline. Affected: yes.
Comment: Not observed at a significant frequency in large population cohorts (Lek et al., 2016)

Ambry Genetics
Classification: Likely benign for Hereditary cancer-predisposing syndrome. Last evaluated: 2018-03-14. Review status: criteria provided, single submitter. Criteria: Ambry Variant Classification Scheme 2023. Collection method: clinical testing. Allele origin: germline.